The following is an entry in ClinVar:

NM_001286.5(CLCN6):c.1574G>C (p.Gly525Ala)

Gene: CLCN6 (Cl-/H+ antiporter 6; plus strand). Cytogenetic location: 1p36.22.
Variant type: single nucleotide variant.
Coding change: c.1574G>C on transcript NM_001286.5 (MANE Select); coding-DNA position 1574, G replaced by C.
Protein change: p.Gly525Ala; replaces glycine 525 with alanine.
Molecular consequence: missense variant. On other transcripts: non-coding transcript variant (1).
Genome position (GRCh38, 1-based): chr1:11,834,283, G>C. VCF-style: chr1-11834283-G-C. GRCh37 (hg19) VCF-style: chr1-11894340-G-C.
Other names: c.1508G>C, p.Gly503Ala (NM_001256959.2); short protein forms G525A, G503A.
Identifiers: ClinVar variation 2747888 (VCV002747888.3), dbSNP rs375760488, ClinGen allele CA596547.

ClinVar aggregate classification (germline): Uncertain significance (1 of 4 stars; one submission).

Allele frequency attached by ClinVar (database versions not stated): gnomAD 0.00003; TOPMed 0.00003; ESP Exome Variant Server 0.00008; ExAC 0.00002.
gnomAD v4.1: 20 of 1,613,986 alleles (0.0012%); highest among the groups gnomAD compares: Admixed American, 0.0017%; no homozygotes.

Submission:

Labcorp Genetics (formerly Invitae), Labcorp
Classification: Uncertain significance. Last evaluated: 2025-04-23. Review status: criteria provided, single submitter. Criteria: Invitae Variant Classification Sherloc (09022015). Collection method: clinical testing. Allele origin: germline.
Comment: This sequence change replaces glycine, which is neutral and non-polar, with alanine, which is neutral and non-polar, at codon 525 of the CLCN6 protein (p.Gly525Ala). This variant is present in population databases (rs375760488, gnomAD 0.004%). This variant has not been reported in the literature in individuals affected with CLCN6-related conditions. ClinVar contains an entry for this variant (Variation ID: 2747888). An algorithm developed to predict the effect of missense changes on protein structure and function (PolyPhen-2) suggests that this variant is likely to be disruptive. In summary, the available evidence is currently insufficient to determine the role of this variant in disease. Therefore, it has been classified as a Variant of Uncertain Significance.